The following is an entry in ClinVar:

NM_003072.5(SMARCA4):c.229_237del (p.Glu77_Met79del)

Gene: SMARCA4 (SWI/SNF related BAF chromatin remodeling complex subunit ATPase 4; plus strand). Cytogenetic location: 19p13.2.
Variant type: Deletion.
Coding change: c.229_237del on transcript NM_003072.5 (MANE Select); coding-DNA positions 229 to 237, 9 bases deleted (GAGTCCATG; older notation c.229_237delGAGTCCATG).
Protein change: p.Glu77_Met79del.
Molecular consequence: inframe deletion. On other transcripts: non-coding transcript variant (1).
Genome position (GRCh38, 1-based): chr19:10,985,279-10,985,287, GAGTCCATG deleted; deleting any 9 consecutive bases within chr19:10,985,274-10,985,287 gives the same sequence; the c. name uses the placement nearest the transcript's 3' end. VCF-style (leftmost placement, unchanged base first): chr19-10985273-CCCATGGAGT-C. GRCh37 (hg19) VCF-style: chr19-11095949-CCCATGGAGT-C.
Other names: c.229_237del, p.Glu77_Met79del (NM_001128848.2, NM_001128844.3, NM_001128845.2 and 6 more transcripts).
Identifiers: ClinVar variation 2703873 (VCV002703873.3), dbSNP rs2513967889, ClinGen allele CA2582454914.

ClinVar aggregate classification (germline): Uncertain significance (1 of 4 stars; one submission).

Conditions:
Rhabdoid tumor predisposition syndrome 2 (RTPS2). Identifiers: Orphanet 231108, Orphanet 69077, MedGen C2750074, MONDO:0013224, OMIM 613325.

Submission:

Labcorp Genetics (formerly Invitae), Labcorp
Classification: Uncertain significance for Rhabdoid tumor predisposition syndrome 2. Last evaluated: 2023-12-18. Review status: criteria provided, single submitter. Criteria: Invitae Variant Classification Sherloc (09022015). Collection method: clinical testing. Allele origin: germline.
Comment: This variant, c.229_237del, results in the deletion of 3 amino acid(s) of the SMARCA4 protein (p.Glu77_Met79del), but otherwise preserves the integrity of the reading frame. This variant is not present in population databases (gnomAD no frequency). This variant has not been reported in the literature in individuals affected with SMARCA4-related conditions. Experimental studies and prediction algorithms are not available or were not evaluated, and the functional significance of this variant is currently unknown. In summary, the available evidence is currently insufficient to determine the role of this variant in disease. Therefore, it has been classified as a Variant of Uncertain Significance.